The following is an entry in ClinVar:

NM_000152.5(GAA):c.1264C>T (p.Arg422Trp)

Gene: GAA (alpha glucosidase; plus strand). Cytogenetic location: 17q25.3.
Variant type: single nucleotide variant.
Coding change: c.1264C>T on transcript NM_000152.5 (MANE Select); coding-DNA position 1264, C replaced by T.
Protein change: p.Arg422Trp; replaces arginine 422 with tryptophan.
Molecular consequence: missense variant.
Genome position (GRCh38, 1-based): chr17:80,108,766, C>T. VCF-style: chr17-80108766-C-T. GRCh37 (hg19) VCF-style: chr17-78082565-C-T.
Other names: c.1264C>T, p.Arg422Trp (NM_001079803.3, NM_001079804.3); c.1264C>T (NM_001079803.2, LRG_673t1, NM_000152.4); short protein forms R422W.
Identifiers: ClinVar variation 456371 (VCV000456371.13), dbSNP rs776704385, ClinGen allele CA8815244.

ClinVar aggregate classification (germline): Uncertain significance. Review status: criteria provided, multiple submitters, no conflicts (2 of 4 stars). 5 submissions from 5 submitters: Uncertain significance (4). 1 of the submissions does not count toward it. Last evaluated 2023-08-04.

Conditions:
GAA-related disorder. Also called: GAA-related condition.
Glycogen storage disease, type II (IOPD). Also called: POMPE DISEASE, INFANTILE-ONSET; GLYCOGEN STORAGE DISEASE II, INFANTILE-ONSET; ACID ALPHA-GLUCOSIDASE DEFICIENCY, INFANTILE-ONSET; GAA DEFICIENCY, INFANTILE-ONSET; ACID MALTASE DEFICIENCY, INFANTILE-ONSET; Glucosidase acid-1,4-alpha deficiency. Identifiers: Orphanet 365, MedGen C0017921, MONDO:0009290, OMIM 232300.

Allele frequency attached by ClinVar (database versions not stated): gnomAD exomes 0.00001 and 0.00002; ExAC 0.00002; TOPMed 0.00002; gnomAD 0.00003.

Submissions (5):

PreventionGenetics, part of Exact Sciences
Classification: Uncertain significance for GAA-related condition. Last evaluated: 2023-08-04. Review status: criteria provided, single submitter. Criteria: ACMG Guidelines, 2015. Collection method: clinical testing. Allele origin: germline.
Comment: The GAA c.1264C>T variant is predicted to result in the amino acid substitution p.Arg422Trp. To our knowledge, this variant has not been reported in the literature. This variant is reported in 0.0051% of alleles in individuals of East Asian descent in gnomAD. At this time, the clinical significance of this variant is uncertain due to the absence of conclusive functional and genetic evidence.

Labcorp Genetics (formerly Invitae), Labcorp
Classification: Uncertain significance for Glycogen storage disease, type II. Last evaluated: 2022-08-06. Review status: criteria provided, single submitter. Criteria: Invitae Variant Classification Sherloc (09022015). Collection method: clinical testing. Allele origin: germline.
Comment: This sequence change replaces arginine, which is basic and polar, with tryptophan, which is neutral and slightly polar, at codon 422 of the GAA protein (p.Arg422Trp). This variant is present in population databases (rs776704385, gnomAD 0.005%). This variant has not been reported in the literature in individuals affected with GAA-related conditions. ClinVar contains an entry for this variant (Variation ID: 456371). Advanced modeling of protein sequence and biophysical properties (such as structural, functional, and spatial information, amino acid conservation, physicochemical variation, residue mobility, and thermodynamic stability) performed at Invitae indicates that this missense variant is not expected to disrupt GAA protein function. In summary, the available evidence is currently insufficient to determine the role of this variant in disease. Therefore, it has been classified as a Variant of Uncertain Significance.

Fulgent Genetics
Classification: Uncertain significance for Glycogen storage disease, type II. Last evaluated: 2021-10-06. Review status: criteria provided, single submitter. Criteria: ACMG Guidelines, 2015. Collection method: clinical testing. Allele origin: unknown.

Blueprint Genetics
Classification: Uncertain significance. Last evaluated: 2021-03-04. Review status: criteria provided, single submitter. Criteria: ACMG Guidelines, 2015. Collection method: clinical testing. Allele origin: germline.

Natera, Inc.
Classification: Uncertain significance for Glycogen storage disease type II. Last evaluated: 2019-10-28. Review status: no assertion criteria provided. Collection method: clinical testing. Allele origin: germline. Not counted in ClinVar's aggregate classification.